The following is an entry in ClinVar:

ClinVar aggregate classification (germline): Pathogenic/Likely pathogenic. Review status: criteria provided, multiple submitters, no conflicts (2 of 4 stars). 2 submissions from 2 submitters: Pathogenic (1); Likely pathogenic (1). Last evaluated 2024-08-08.

Conditions:
Chédiak-Higashi syndrome (CHS). Also called: Chediak-Higashi Syndrome. Identifiers: Orphanet 167, MedGen C0007965, MONDO:0008963, OMIM 214500.

Submissions (2):

Labcorp Genetics (formerly Invitae), Labcorp
Classification: Pathogenic for Chédiak-Higashi syndrome. Last evaluated: 2024-08-08. Review status: criteria provided, single submitter. Criteria: Invitae Variant Classification Sherloc (09022015). Collection method: clinical testing. Allele origin: germline.
Comment: This sequence change creates a premature translational stop signal (p.Gln1831*) in the LYST gene. It is expected to result in an absent or disrupted protein product. Loss-of-function variants in LYST are known to be pathogenic (PMID: 9215679, 11857544). This variant is not present in population databases (gnomAD no frequency). This variant has not been reported in the literature in individuals affected with LYST-related conditions. ClinVar contains an entry for this variant (Variation ID: 1413390). Algorithms developed to predict the effect of sequence changes on RNA splicing suggest that this variant may disrupt the consensus splice site. For these reasons, this variant has been classified as Pathogenic.

Baylor Genetics
Classification: Likely pathogenic for Chédiak-Higashi syndrome. Last evaluated: 2023-01-07. Review status: criteria provided, single submitter. Criteria: ACMG Guidelines, 2015. Collection method: clinical testing. Allele origin: unknown.

Literature cited by the submitters: PubMed 9215679 (cited by Labcorp Genetics (formerly Invitae), Labcorp); PubMed 11857544 (cited by Labcorp Genetics (formerly Invitae), Labcorp).

NM_000081.4(LYST):c.5491C>T (p.Gln1831Ter)

Gene: LYST (lysosomal trafficking regulator; minus strand). Cytogenetic location: 1q42.3.
Variant type: single nucleotide variant.
Coding change: c.5491C>T on transcript NM_000081.4 (MANE Select); coding-DNA position 5491, C replaced by T.
Protein change: p.Gln1831Ter; replaces glutamine 1831 with a stop codon.
Molecular consequence: nonsense.
Genome position (GRCh38, 1-based): chr1:235,775,056, G>A on the plus strand (C>T on the coding strand, the complement: LYST is on the minus strand). VCF-style: chr1-235775056-G-A. GRCh37 (hg19) VCF-style: chr1-235938356-G-A.
Other names: c.5491C>T, p.Gln1831Ter (NM_001301365.1); short protein forms Q1831*.
Identifiers: ClinVar variation 1413390 (VCV001413390.6), dbSNP rs2527973482, ClinGen allele CA344951865.
Genomic context (GRCh38, chr1:235,775,056, plus strand): 5'-CATGTACTCTTTGTTGGTTGTATTTAATTAATGAGAGTATAACTCGCAGTGCTAATGCTT[G>A]AGTTTCTTCACAGCTACTGAGTTCAACAACCTAAAAAAAAAAATGGGTGGATATAGTTTT-3'